The following is an entry in ClinVar:

NM_001371928.1(AHDC1):c.2019C>T (p.Gly673=)

Gene: AHDC1 (AT-hook DNA binding motif containing 1; minus strand). Cytogenetic location: 1p36.11.
Variant type: single nucleotide variant.
Coding change: c.2019C>T on transcript NM_001371928.1 (MANE Select); coding-DNA position 2019, C replaced by T.
Protein change: p.Gly673=; no amino-acid change (glycine 673 retained).
Molecular consequence: synonymous variant.
Genome position (GRCh38, 1-based): chr1:27,550,097, G>A on the plus strand (C>T on the coding strand, the complement: AHDC1 is on the minus strand). VCF-style: chr1-27550097-G-A. GRCh37 (hg19) VCF-style: chr1-27876608-G-A.
Other names: c.2019C>T, p.Gly673= (NM_001029882.3).
Identifiers: ClinVar variation 2711937 (VCV002711937.24), dbSNP rs756739229, ClinGen allele CA715848.

ClinVar aggregate classification (germline): Likely benign. Review status: criteria provided, multiple submitters, no conflicts (2 of 4 stars). 2 submissions from 2 submitters: Likely benign (2). Last evaluated 2025-10-10.

Allele frequency attached by ClinVar (database versions not stated): ExAC 0.00001; TOPMed 0.00008.

Submissions (3):

Labcorp Genetics (formerly Invitae), Labcorp
Classification: Likely benign. Last evaluated: 2025-10-10. Review status: criteria provided, single submitter. Criteria: Invitae Variant Classification Sherloc (09022015). Collection method: clinical testing. Allele origin: germline.

CeGaT Center for Human Genetics Tuebingen
Classification: Likely benign. Last evaluated: 2024-04-01. Review status: criteria provided, single submitter. Criteria: CeGaT Center For Human Genetics Tuebingen Variant Classification Criteria Version 2. Collection method: clinical testing. Allele origin: germline. Affected: yes. Observed: 1 variant allele.
Comment: AHDC1: BP4, BP7

Dr. Peter K. Rogan Lab, Western University
No classification provided (evidence only). Condition: Gastric cancer. Review status: no classification provided. Collection method: in vitro. Allele origin: not applicable. Functional consequence: retained intron. Not counted in ClinVar's aggregate classification.